The following is an entry in ClinVar:

ClinVar aggregate classification (germline): Uncertain significance (1 of 4 stars; one submission).

Submission:

GeneDx
Classification: Uncertain significance. Last evaluated: 2025-02-12. Review status: criteria provided, single submitter. Criteria: GeneDx Variant Classification Process June 2021. Collection method: clinical testing. Allele origin: germline. Affected: yes.
Comment: Not observed at significant frequency in large population cohorts (gnomAD); Missense variant in a gene in which most reported pathogenic variants are truncating/loss of function; Has not been previously published as pathogenic or benign to our knowledge

NM_001267550.2(TTN):c.63721T>G (p.Ser21241Ala)

Genes: TTN (titin; minus strand), TTN-AS1 (TTN antisense RNA 1; plus strand). Cytogenetic location: 2q31.2.
Variant type: single nucleotide variant.
Coding change: c.63721T>G on transcript NM_001267550.2 (MANE Select); coding-DNA position 63721, T replaced by G.
Protein change: p.Ser21241Ala; replaces serine 21241 with alanine.
Molecular consequence: missense variant.
Genome position (GRCh38, 1-based): chr2:178,587,588, A>C on the plus strand (T>G on the coding strand, the complement: TTN is on the minus strand). VCF-style: chr2-178587588-A-C. GRCh37 (hg19) VCF-style: chr2-179452315-A-C.
Other names: c.58798T>G, p.Ser19600Ala (NM_001256850.1); c.36526T>G, p.Ser12176Ala (NM_003319.4); c.56017T>G, p.Ser18673Ala (NM_133378.4); c.36901T>G, p.Ser12301Ala (NM_133432.3); c.37102T>G, p.Ser12368Ala (NM_133437.4); short protein forms S12176A, S12301A, S12368A, S18673A, S19600A, S21241A.
Identifiers: ClinVar variation 4075564 (VCV004075564.1).